The following is an entry in ClinVar:

ClinVar aggregate classification (germline): Uncertain significance (1 of 4 stars; one submission).

Conditions:
ASCL1-related disorder. Also called: ASCL1-related condition.

Submission:

PreventionGenetics, part of Exact Sciences
Classification: Uncertain significance for ASCL1-related condition. Last evaluated: 2024-10-31. Review status: criteria provided, single submitter. Criteria: ACMG Guidelines, 2015. Collection method: clinical testing. Allele origin: germline.
Comment: The ASCL1 c.162G>C variant is predicted to result in the amino acid substitution p.Gln54His. To our knowledge, this variant has not been reported in the literature or in a large population database (gnomAD), indicating this variant is rare. At this time, the clinical significance of this variant is uncertain due to the absence of conclusive functional and genetic evidence.

NM_004316.4(ASCL1):c.162G>C (p.Gln54His)

Genes: ASCL1 (achaete-scute family bHLH transcription factor 1; plus strand), PAH (phenylalanine hydroxylase; minus strand). Cytogenetic location: 12q23.2.
Variant type: single nucleotide variant.
Coding change: c.162G>C on transcript NM_004316.4 (MANE Select); coding-DNA position 162, G replaced by C.
Protein change: p.Gln54His; replaces glutamine 54 with histidine.
Molecular consequence: missense variant. On other transcripts: 5 prime UTR variant (1).
Genome position (GRCh38, 1-based): chr12:102,958,406, G>C. VCF-style: chr12-102958406-G-C. GRCh37 (hg19) VCF-style: chr12-103352184-G-C.
Other names: c.-307C>G (NM_001354304.2); short protein forms Q54H.
Identifiers: ClinVar variation 4988654 (VCV004988654.1).
Genomic context (GRCh38, chr12:102,958,406, plus strand): 5'-GGCCGCAGCCGCGGCGGCCGCAGCCGCCGCAGCGGCAGCGCAGAGCGCGCAGCAGCAGCA[G>C]CAGCAGCAGCAGCAGCAGCAGCAGGCGCCGCAGCTGAGACCGGCGGCCGACGGCCAGCCC-3'
Protein context (NP_004307.2, residues 44-64): AAAAQSAQQQ[Gln54His]QQQQQQQQAP